The following is an entry in ClinVar:

ClinVar aggregate classification (germline): Likely benign. Review status: criteria provided, multiple submitters, no conflicts (2 of 4 stars). 3 submissions from 3 submitters: Likely benign (2). 1 of the submissions does not count toward it. Last evaluated 2024-11-19.

Conditions:
PIEZO1-related disorder. Also called: PIEZO1-related condition; PIEZO1-Related Disorders.

Allele frequency attached by ClinVar (database versions not stated): ExAC below 0.00001; TOPMed 0.00007; gnomAD 0.00011 and 0.00012; 1000 Genomes Project 30x 0.00016; gnomAD exomes 0.00016.
gnomAD v4.1: 112 of 1,549,084 alleles (0.0072%); highest among the groups gnomAD compares: Admixed American, 0.018%; no homozygotes.

Submissions (3):

Blueprint Genetics
Classification: Likely benign. Last evaluated: 2024-11-19. Review status: criteria provided, single submitter. Criteria: ACMG Guidelines, 2015. Collection method: clinical testing. Allele origin: germline.

Labcorp Genetics (formerly Invitae), Labcorp
Classification: Likely benign. Last evaluated: 2018-09-05. Review status: criteria provided, single submitter. Criteria: Invitae Variant Classification Sherloc (09022015). Collection method: clinical testing. Allele origin: germline.

PreventionGenetics, part of Exact Sciences
Classification: Likely benign for PIEZO1-related condition. Last evaluated: 2021-06-18. Review status: no assertion criteria provided. Collection method: clinical testing. Allele origin: germline. Not counted in ClinVar's aggregate classification.
Comment: This variant is classified as likely benign based on ACMG/AMP sequence variant interpretation guidelines (Richards et al. 2015 PMID: 25741868, with internal and published modifications).

NM_001142864.4(PIEZO1):c.7314C>T (p.Tyr2438=)

Gene: PIEZO1 (piezo type mechanosensitive ion channel component 1 (Er blood group); minus strand). Cytogenetic location: 16q24.3.
Variant type: single nucleotide variant.
Coding change: c.7314C>T on transcript NM_001142864.4 (MANE Select); coding-DNA position 7314, C replaced by T.
Protein change: p.Tyr2438=; no amino-acid change (tyrosine 2438 retained).
Molecular consequence: synonymous variant.
Genome position (GRCh38, 1-based): chr16:88,715,935, G>A on the plus strand (C>T on the coding strand, the complement: PIEZO1 is on the minus strand). VCF-style: chr16-88715935-G-A. GRCh37 (hg19) VCF-style: chr16-88782343-G-A.
Identifiers: ClinVar variation 741800 (VCV000741800.6), dbSNP rs755241005, ClinGen allele CA8231366.